The following is an entry in ClinVar:

ClinVar aggregate classification (germline): Likely benign (1 of 4 stars; one submission).

Submission:

GeneDx
Classification: Likely benign. Last evaluated: 2017-11-01. Review status: criteria provided, single submitter. Criteria: GeneDx Variant Classification (06012015). Collection method: clinical testing. Allele origin: germline. Affected: yes.
Comment: This variant is considered likely benign or benign based on one or more of the following criteria: it is a conservative change, it occurs at a poorly conserved position in the protein, it is predicted to be benign by multiple in silico algorithms, and/or has population frequency not consistent with disease.

NM_000059.4(BRCA2):c.68-20G>A

Gene: BRCA2 (BRCA2 DNA repair associated; plus strand). Cytogenetic location: 13q13.1.
Variant type: single nucleotide variant.
Coding change: c.68-20G>A on transcript NM_000059.4 (MANE Select); 20 bases into the intron before coding-DNA position 68, G replaced by A.
Molecular consequence: intron variant.
Genome position (GRCh38, 1-based): chr13:32,319,057, G>A. VCF-style: chr13-32319057-G-A. GRCh37 (hg19) VCF-style: chr13-32893194-G-A.
Identifiers: ClinVar variation 513158 (VCV000513158.1), dbSNP rs770475551, ClinGen allele CA658798082.
Genomic context (GRCh38, chr13:32,319,057, plus strand): 5'-CCTTATGATCTTTAACTGTTCTGGGTCACAAATTTGTCTGTCACTGGTTAAAACTAAGGT[G>A]GGATTTTTTTTTTAAATAGATTTAGGACCAATAAGTCTTAATTGGTTTGAAGAACTTTCT-3'